The following is an entry in ClinVar:

ClinVar aggregate classification (germline): Uncertain significance (1 of 4 stars; one submission).

Allele frequency attached by ClinVar (database versions not stated): gnomAD exomes below 0.00001; TOPMed below 0.00001; gnomAD 0.00001.
gnomAD v4.1: 2 of 1,613,684 alleles (0.00012%); highest among the groups gnomAD compares: Admixed American, 0.0033%; no homozygotes.

Submission:

Labcorp Genetics (formerly Invitae), Labcorp
Classification: Uncertain significance. Last evaluated: 2021-03-25. Review status: criteria provided, single submitter. Criteria: Invitae Variant Classification Sherloc (09022015). Collection method: clinical testing. Allele origin: germline.
Comment: This variant is not present in population databases (ExAC no frequency). This sequence change replaces aspartic acid with glycine at codon 391 of the SRP54 protein (p.Asp391Gly). The aspartic acid residue is highly conserved and there is a moderate physicochemical difference between aspartic acid and glycine. This variant has not been reported in the literature in individuals with SRP54-related conditions. Algorithms developed to predict the effect of missense changes on protein structure and function (SIFT, PolyPhen-2, Align-GVGD) all suggest that this variant is likely to be tolerated, but these predictions have not been confirmed by published functional studies and their clinical significance is uncertain. In summary, the available evidence is currently insufficient to determine the role of this variant in disease. Therefore, it has been classified as a Variant of Uncertain Significance.

NM_003136.4(SRP54):c.1172A>G (p.Asp391Gly)

Gene: SRP54 (signal recognition particle 54; plus strand). Cytogenetic location: 14q13.2.
Variant type: single nucleotide variant.
Coding change: c.1172A>G on transcript NM_003136.4 (MANE Select); coding-DNA position 1172, A replaced by G.
Protein change: p.Asp391Gly; replaces aspartic acid 391 with glycine.
Molecular consequence: missense variant.
Genome position (GRCh38, 1-based): chr14:35,022,925, A>G. VCF-style: chr14-35022925-A-G. GRCh37 (hg19) VCF-style: chr14-35492131-A-G.
Other names: c.1025A>G, p.Asp342Gly (NM_001146282.2); short protein forms D391G, D342G.
Identifiers: ClinVar variation 1433904 (VCV001433904.8), dbSNP rs1397088670, ClinGen allele CA389448046.
Genomic context (GRCh38, chr14:35,022,925, plus strand): 5'-TGGTGAATGATAATTGTGTGTGAGAGTAACTGACCTTGTCTACAGAACTAGACAGTACGG[A>G]TGGTGCCAAAGTTTTTAGTAAACAACCAGGAAGAATCCAAAGAGTAGCAAGAGGATCGGG-3'
Protein context (NP_003127.1, residues 381-401): SMNDQELDST[Asp391Gly]GAKVFSKQPG